The following is an entry in ClinVar:

NM_012193.4(FZD4):c.1079T>A (p.Ile360Asn)

Genes: PRSS23 (serine protease 23; plus strand), FZD4 (frizzled class receptor 4; minus strand). Cytogenetic location: 11q14.2.
Variant type: single nucleotide variant.
Coding change: c.1079T>A on transcript NM_012193.4 (MANE Select); coding-DNA position 1079, T replaced by A.
Protein change: p.Ile360Asn; replaces isoleucine 360 with asparagine.
Molecular consequence: missense variant. On other transcripts: non-coding transcript variant (2).
Genome position (GRCh38, 1-based): chr11:86,951,677, A>T on the plus strand (T>A on the coding strand, the complement: FZD4 is on the minus strand). VCF-style: chr11-86951677-A-T. GRCh37 (hg19) VCF-style: chr11-86662719-A-T.
Other names: short protein forms I360N.
Identifiers: ClinVar variation 1491337 (VCV001491337.8), dbSNP rs2135040624, ClinGen allele CA382013264.

ClinVar aggregate classification (germline): Uncertain significance (1 of 4 stars; one submission).

Submission:

Labcorp Genetics (formerly Invitae), Labcorp
Classification: Uncertain significance. Last evaluated: 2024-10-25. Review status: criteria provided, single submitter. Criteria: Invitae Variant Classification Sherloc (09022015). Collection method: clinical testing. Allele origin: germline.
Comment: This sequence change replaces isoleucine, which is neutral and non-polar, with asparagine, which is neutral and polar, at codon 360 of the FZD4 protein (p.Ile360Asn). This variant is not present in population databases (gnomAD no frequency). This variant has not been reported in the literature in individuals affected with FZD4-related conditions. ClinVar contains an entry for this variant (Variation ID: 1491337). Invitae Evidence Modeling of protein sequence and biophysical properties (such as structural, functional, and spatial information, amino acid conservation, physicochemical variation, residue mobility, and thermodynamic stability) indicates that this missense variant is not expected to disrupt FZD4 protein function with a negative predictive value of 80%. In summary, the available evidence is currently insufficient to determine the role of this variant in disease. Therefore, it has been classified as a Variant of Uncertain Significance.